The following is an entry in ClinVar:

ClinVar aggregate classification (germline): Benign. Review status: criteria provided, multiple submitters, no conflicts (2 of 4 stars). 2 submissions from 2 submitters: Benign (2). Last evaluated 2025-08-01.

Allele frequency attached by ClinVar (database versions not stated): 1000 Genomes Project 30x 0.00234; 1000 Genomes Project 0.00280; TOPMed 0.00574; ESP Exome Variant Server 0.00784; gnomAD exomes 0.00820 and 0.00983; ExAC 0.00823; gnomAD 0.00870 and 0.00904.
gnomAD v4.1: 15,506 of 1,613,974 alleles (0.96%); highest among the groups gnomAD compares: Non-Finnish European, 1.1%; 112 homozygotes.

Submissions (2):

CeGaT Center for Human Genetics Tuebingen
Classification: Benign. Last evaluated: 2025-08-01. Review status: criteria provided, single submitter. Criteria: CeGaT Center For Human Genetics Tuebingen Variant Classification Criteria Version 2. Collection method: clinical testing. Allele origin: germline. Affected: yes. Observed: 3 variant alleles.
Comment: DNAH10: BP4, BP7, BS1, BS2

Labcorp Genetics (formerly Invitae), Labcorp
Classification: Benign. Last evaluated: 2019-12-31. Review status: criteria provided, single submitter. Criteria: Invitae Variant Classification Sherloc (09022015). Collection method: clinical testing. Allele origin: germline.

NM_001372106.1(DNAH10):c.1453T>C (p.Leu485=)

Gene: DNAH10 (dynein axonemal heavy chain 10; plus strand). Cytogenetic location: 12q24.31.
Variant type: single nucleotide variant.
Coding change: c.1453T>C on transcript NM_001372106.1 (MANE Select); coding-DNA position 1453, T replaced by C.
Protein change: p.Leu485=; no amino-acid change (leucine 485 retained).
Molecular consequence: synonymous variant.
Genome position (GRCh38, 1-based): chr12:123,787,835, T>C. VCF-style: chr12-123787835-T-C. GRCh37 (hg19) VCF-style: chr12-124272382-T-C.
Other names: c.1270T>C, p.Leu424= (NM_207437.3).
Identifiers: ClinVar variation 781702 (VCV000781702.28), dbSNP rs139225647, ClinGen allele CA6862770.